The following is an entry in ClinVar:

ClinVar aggregate classification (germline): Uncertain significance (1 of 4 stars; one submission).

Submission:

Ambry Genetics
Classification: Uncertain significance. Last evaluated: 2021-08-11. Review status: criteria provided, single submitter. Criteria: Ambry Variant Classification Scheme 2023. Collection method: clinical testing. Allele origin: germline.
Comment: The p.I283V variant (also known as c.847A>G), located in coding exon 3 of the ALPK2 gene, results from an A to G substitution at nucleotide position 847. The isoleucine at codon 283 is replaced by valine, an amino acid with highly similar properties. This amino acid position is conserved. In addition, this alteration is predicted to be tolerated by in silico analysis. Since supporting evidence is limited at this time, the clinical significance of this alteration remains unclear.

NM_052947.4(ALPK2):c.847A>G (p.Ile283Val)

Genes: ALPK2 (alpha kinase 2; minus strand), LOC114803473 (ALPK2 eExon liver enhancer; plus strand). Cytogenetic location: 18q21.31.
Variant type: single nucleotide variant.
Coding change: c.847A>G on transcript NM_052947.4 (MANE Select); coding-DNA position 847, A replaced by G.
Protein change: p.Ile283Val; replaces isoleucine 283 with valine.
Molecular consequence: missense variant.
Genome position (GRCh38, 1-based): chr18:58,579,929, T>C on the plus strand (A>G on the coding strand, the complement: ALPK2 is on the minus strand). VCF-style: chr18-58579929-T-C. GRCh37 (hg19) VCF-style: chr18-56247161-T-C.
Other names: short protein forms I283V.
Identifiers: ClinVar variation 1763520 (VCV001763520.2), dbSNP rs2518899766, ClinGen allele CA402567065.